The following is an entry in ClinVar:

ClinVar aggregate classification (germline): Uncertain significance. Review status: criteria provided, multiple submitters, no conflicts (2 of 4 stars). 2 submissions from 2 submitters: Uncertain significance (2). Last evaluated 2022-03-01.

Conditions:
Emery-Dreifuss muscular dystrophy 4, autosomal dominant (EDMD4). Also called: EMERY-DREIFUSS MUSCULAR DYSTROPHY 4 WITH VARIABLE FEATURES. Identifiers: Orphanet 261, MedGen C2751807, MONDO:0013071, OMIM 612998.
Autosomal recessive ataxia, Beauce type. Also called: SYNE1 Deficiency; Spinocerebellar ataxia, autosomal recessive 8; ATAXIA, RECESSIVE, OF BEAUCE; SYNE1-Related Autosomal Recessive Cerebellar Ataxia. Identifiers: Orphanet 88644, MedGen C1853116, MONDO:0012549, OMIM 610743.

Allele frequency attached by ClinVar (database versions not stated): gnomAD exomes below 0.00001; ExAC 0.00001.
gnomAD v4.1: 1 of 1,614,108 alleles (0.000062%); highest among the groups gnomAD compares: Non-Finnish European, 0.000085%; no homozygotes.

Submissions (2):

Revvity Omics, Revvity
Classification: Uncertain significance. Last evaluated: 2022-03-01. Review status: criteria provided, single submitter. Criteria: ACMG Guidelines, 2015. Collection method: clinical testing. Allele origin: germline.

Labcorp Genetics (formerly Invitae), Labcorp
Classification: Uncertain significance for Emery-Dreifuss muscular dystrophy 4, autosomal dominant; Autosomal recessive ataxia, Beauce type. Last evaluated: 2022-02-08. Review status: criteria provided, single submitter. Criteria: Invitae Variant Classification Sherloc (09022015). Collection method: clinical testing. Allele origin: germline.
Comment: This variant is present in population databases (rs765285280, gnomAD 0.0009%). In summary, the available evidence is currently insufficient to determine the role of this variant in disease. Therefore, it has been classified as a Variant of Uncertain Significance. Algorithms developed to predict the effect of missense changes on protein structure and function are either unavailable or do not agree on the potential impact of this missense change (SIFT: "Deleterious"; PolyPhen-2: "Possibly Damaging"; Align-GVGD: "Class C0"). This variant has not been reported in the literature in individuals affected with SYNE1-related conditions. This sequence change replaces alanine, which is neutral and non-polar, with glutamic acid, which is acidic and polar, at codon 4751 of the SYNE1 protein (p.Ala4751Glu).

NM_182961.4(SYNE1):c.14465C>A (p.Ala4822Glu)

Gene: SYNE1 (spectrin repeat containing nuclear envelope protein 1; minus strand). Cytogenetic location: 6q25.2.
Variant type: single nucleotide variant.
Coding change: c.14465C>A on transcript NM_182961.4 (MANE Select); coding-DNA position 14465, C replaced by A.
Protein change: p.Ala4822Glu; replaces alanine 4822 with glutamic acid.
Molecular consequence: missense variant.
Genome position (GRCh38, 1-based): chr6:152,330,220, G>T on the plus strand (C>A on the coding strand, the complement: SYNE1 is on the minus strand). VCF-style: chr6-152330220-G-T. GRCh37 (hg19) VCF-style: chr6-152651355-G-T.
Other names: c.14252C>A, p.Ala4751Glu (NM_033071.5); short protein forms A4751E, A4822E.
Identifiers: ClinVar variation 2094792 (VCV002094792.7), dbSNP rs765285280, ClinGen allele CA4055997.